The following is an entry in ClinVar:

NM_001195248.2(APTX):c.585C>T (p.Tyr195=)

Gene: APTX (aprataxin; minus strand). Cytogenetic location: 9p21.1.
Variant type: single nucleotide variant.
Coding change: c.585C>T on transcript NM_001195248.2 (MANE Select); coding-DNA position 585, C replaced by T.
Protein change: p.Tyr195=; no amino-acid change (tyrosine 195 retained).
Molecular consequence: synonymous variant. On other transcripts: non-coding transcript variant (9).
Genome position (GRCh38, 1-based): chr9:32,984,816, G>A on the plus strand (C>T on the coding strand, the complement: APTX is on the minus strand). VCF-style: chr9-32984816-G-A. GRCh37 (hg19) VCF-style: chr9-32984814-G-A.
Other names: c.585C>T, p.Tyr195= (NM_001195249.2, NM_001195251.2, NM_001368995.1 and 6 more transcripts); c.423C>T, p.Tyr141= (NM_001195250.2, NM_001195254.2, NM_001369000.1 and 1 more transcripts); c.369C>T, p.Tyr123= (NM_001195252.2); c.321C>T, p.Tyr107= (NM_001369002.1, NM_001369003.1, NM_001369004.1 and 5 more transcripts).
Identifiers: ClinVar variation 515638 (VCV000515638.11), dbSNP rs146506430, ClinGen allele CA5022365.

ClinVar aggregate classification (germline): Likely benign. Review status: criteria provided, multiple submitters, no conflicts (2 of 4 stars). 4 submissions from 4 submitters: Likely benign (4). Last evaluated 2026-05-01.

Allele frequency attached by ClinVar (database versions not stated): TOPMed 0.00003; gnomAD 0.00005; ESP Exome Variant Server 0.00008; gnomAD exomes 0.00014 and 0.00028; ExAC 0.00046.
gnomAD v4.1: 224 of 1,614,062 alleles (0.014%); highest among the groups gnomAD compares: Non-Finnish European, 0.013%; no homozygotes.

Submissions (4):

CeGaT Center for Human Genetics Tuebingen
Classification: Likely benign. Last evaluated: 2026-05-01. Review status: criteria provided, single submitter. Criteria: CeGaT Center For Human Genetics Tuebingen Variant Classification Criteria Version 2. Collection method: clinical testing. Allele origin: germline. Affected: yes. Observed: 1 variant allele.
Comment: APTX: BP4, BP7

Blueprint Genetics
Classification: Likely benign. Last evaluated: 2024-09-15. Review status: criteria provided, single submitter. Criteria: ACMG Guidelines, 2015. Collection method: clinical testing. Allele origin: germline.

Labcorp Genetics (formerly Invitae), Labcorp
Classification: Likely benign. Last evaluated: 2021-03-26. Review status: criteria provided, single submitter. Criteria: Invitae Variant Classification Sherloc (09022015). Collection method: clinical testing. Allele origin: germline.

GeneDx
Classification: Likely benign. Last evaluated: 2018-02-28. Review status: criteria provided, single submitter. Criteria: GeneDx Variant Classification (06012015). Collection method: clinical testing. Allele origin: germline. Affected: yes.
Comment: This variant is considered likely benign or benign based on one or more of the following criteria: it is a conservative change, it occurs at a poorly conserved position in the protein, it is predicted to be benign by multiple in silico algorithms, and/or has population frequency not consistent with disease.